The following is an entry in ClinVar:

ClinVar aggregate classification (germline): Likely benign. Review status: criteria provided, multiple submitters, no conflicts (2 of 4 stars). 2 submissions from 2 submitters: Likely benign (2). Last evaluated 2025-06-12.

Allele frequency attached by ClinVar (database versions not stated): ExAC 0.00002; TOPMed 0.00006; gnomAD 0.00004.
gnomAD v4.1: 16 of 1,613,452 alleles (0.00099%); highest among the groups gnomAD compares: East Asian, 0.0089%; no homozygotes.

Submissions (2):

Labcorp Genetics (formerly Invitae), Labcorp
Classification: Likely benign. Last evaluated: 2025-06-12. Review status: criteria provided, single submitter. Criteria: Invitae Variant Classification Sherloc (09022015). Collection method: clinical testing. Allele origin: germline.

CeGaT Center for Human Genetics Tuebingen
Classification: Likely benign. Last evaluated: 2022-08-01. Review status: criteria provided, single submitter. Criteria: CeGaT Center For Human Genetics Tuebingen Variant Classification Criteria Version 2. Collection method: clinical testing. Allele origin: germline. Affected: yes. Observed: 1 variant allele.
Comment: XPO5: BP4, BP7

NM_020750.3(XPO5):c.1986C>T (p.Tyr662=)

Genes: POLR1C (RNA polymerase I and III subunit C; plus strand), XPO5 (exportin 5; minus strand). Cytogenetic location: 6p21.1.
Variant type: single nucleotide variant.
Coding change: c.1986C>T on transcript NM_020750.3 (MANE Select); coding-DNA position 1986, C replaced by T.
Protein change: p.Tyr662=; no amino-acid change (tyrosine 662 retained).
Molecular consequence: synonymous variant. On other transcripts: non-coding transcript variant (1), intron variant (1).
Genome position (GRCh38, 1-based): chr6:43,548,335, G>A on the plus strand (C>T on the coding strand, the complement: XPO5 is on the minus strand). VCF-style: chr6-43548335-G-A. GRCh37 (hg19) VCF-style: chr6-43516072-G-A.
Other names: c.923-2633G>A (NM_001363658.2).
Identifiers: ClinVar variation 2166912 (VCV002166912.25), dbSNP rs752304039, ClinGen allele CA3826269.